The following is an entry in ClinVar:

ClinVar aggregate classification (germline): Likely pathogenic (1 of 4 stars; one submission).

Conditions:
Familial cancer of breast. Also called: Hereditary breast cancer; BREAST CANCER, FAMILIAL; hereditary breast carcinoma. Identifiers: Orphanet 227535, MedGen C0346153, MONDO:0016419, OMIM 114480. Disease mechanism: loss of function.

Submission:

MGZ Medical Genetics Center
Classification: Likely pathogenic for Familial cancer of breast. Last evaluated: 2022-07-28. Review status: criteria provided, single submitter. Criteria: ACMG Guidelines, 2015. Collection method: clinical testing. Allele origin: germline. Affected: yes. Observed: 1 variant allele.
Comment: ACMG criteria applied: PVS1, PM2_SUP

NM_000051.4(ATM):c.895G>T (p.Glu299Ter)

Gene: ATM (ATM serine/threonine kinase; plus strand). Cytogenetic location: 11q22.3.
Variant type: single nucleotide variant.
Coding change: c.895G>T on transcript NM_000051.4 (MANE Select); coding-DNA position 895, G replaced by T.
Protein change: p.Glu299Ter; replaces glutamic acid 299 with a stop codon.
Molecular consequence: nonsense.
Genome position (GRCh38, 1-based): chr11:108,245,020, G>T. VCF-style: chr11-108245020-G-T. GRCh37 (hg19) VCF-style: chr11-108115747-G-T.
Other names: c.895G>T, p.Glu299Ter (NM_001351834.2); short protein forms E299*.
Identifiers: ClinVar variation 1709708 (VCV001709708.2), dbSNP rs1273332798, ClinGen allele CA382529632.